The following is an entry in ClinVar:

ClinVar aggregate classification (germline): Uncertain significance (1 of 4 stars; one submission).

Conditions:
Primary ciliary dyskinesia. Also called: Ciliary dyskinesia. Identifiers: Orphanet 244, MedGen C0008780, MONDO:0016575, HP:0012265.

Allele frequency attached by ClinVar (database versions not stated): gnomAD 0.00001; ExAC 0.00002; TOPMed 0.00002.

Submission:

Labcorp Genetics (formerly Invitae), Labcorp
Classification: Uncertain significance for Primary ciliary dyskinesia. Last evaluated: 2015-12-01. Review status: criteria provided, single submitter. Criteria: Invitae Variant Classification Sherloc (09022015). Collection method: clinical testing. Allele origin: germline.
Comment: This variant is present in population databases (ExAC 0.009%) but has not been reported in the literature. In summary, this is a rare missense change with uncertain impact on protein function. There is no indication that this variant causes disease, but the evidence is insufficient at this time to prove that conclusively. Therefore, it has been classified as a Variant of Uncertain Significance. Algorithms developed to predict the effect of missense changes on protein structure and function do not agree on the potential impact of this missense change (SIFT: "Deleterious"; PolyPhen-2: "Probably Damaging"; Align-GVGD: "Class C0"). This sequence change replaces arginine with histidine at codon 192 of the ZMYND10 protein (p.Arg192His). The arginine residue is highly conserved and there is a small physicochemical difference between arginine and histidine.

NM_015896.4(ZMYND10):c.575G>A (p.Arg192His)

Gene: ZMYND10 (zinc finger MYND-type containing 10; minus strand). Cytogenetic location: 3p21.31.
Variant type: single nucleotide variant.
Coding change: c.575G>A on transcript NM_015896.4 (MANE Select); coding-DNA position 575, G replaced by A.
Protein change: p.Arg192His; replaces arginine 192 with histidine.
Molecular consequence: missense variant.
Genome position (GRCh38, 1-based): chr3:50,343,142, C>T on the plus strand (G>A on the coding strand, the complement: ZMYND10 is on the minus strand). VCF-style: chr3-50343142-C-T. GRCh37 (hg19) VCF-style: chr3-50380573-C-T.
Other names: c.575G>A, p.Arg192His (NM_001308379.2); short protein forms R192H.
Identifiers: ClinVar variation 241070 (VCV000241070.5), dbSNP rs749419715, ClinGen allele CA2417168.